The following is an entry in ClinVar:

NM_001041.4(SI):c.2401G>T (p.Glu801Ter)

Gene: SI (sucrase-isomaltase; minus strand). Cytogenetic location: 3q26.1.
Variant type: single nucleotide variant.
Coding change: c.2401G>T on transcript NM_001041.4 (MANE Select); coding-DNA position 2401, G replaced by T.
Protein change: p.Glu801Ter; replaces glutamic acid 801 with a stop codon.
Molecular consequence: nonsense.
Genome position (GRCh38, 1-based): chr3:165,037,925, C>A on the plus strand (G>T on the coding strand, the complement: SI is on the minus strand). VCF-style: chr3-165037925-C-A. GRCh37 (hg19) VCF-style: chr3-164755713-C-A.
Other names: short protein forms E801*.
Identifiers: ClinVar variation 631912 (VCV000631912.15), dbSNP rs200972419, ClinGen allele CA2690709.

ClinVar aggregate classification (germline): Pathogenic/Likely pathogenic. Review status: criteria provided, multiple submitters, no conflicts (2 of 4 stars). 5 submissions from 5 submitters: Pathogenic (3); Likely pathogenic (2). Last evaluated 2026-02-02.

Conditions:
Congenital sucrose-isomaltase deficiency.
Sucrase-isomaltase deficiency (CSID). Also called: Congenital sucrose isomaltose malabsorption; Sucrose isomaltose enzyme deficiency; Deficiency of isomaltase; SI DEFICIENCY. Identifiers: Orphanet 35122, MedGen C1283620, MONDO:0009114, OMIM 222900.

Allele frequency attached by ClinVar (database versions not stated): gnomAD 0.00003 and 0.00004; TOPMed 0.00004; gnomAD exomes 0.00006 and 0.00011; ESP Exome Variant Server 0.00008; ExAC 0.00010.
gnomAD v4.1: 99 of 1,609,162 alleles (0.0062%); highest among the groups gnomAD compares: South Asian, 0.059%; 1 homozygote.

Submissions (5):

GeneDx
Classification: Pathogenic. Last evaluated: 2026-02-02. Review status: criteria provided, single submitter. Criteria: GeneDx Variant Classification Process June 2021. Collection method: clinical testing. Allele origin: germline. Affected: yes.
Comment: Nonsense variant predicted to result in protein truncation or nonsense mediated decay in a gene for which loss of function is a known mechanism of disease; This variant is associated with the following publications: (PMID: 33083013, 32732636)

Labcorp Genetics (formerly Invitae), Labcorp
Classification: Pathogenic. Last evaluated: 2024-12-09. Review status: criteria provided, single submitter. Criteria: Invitae Variant Classification Sherloc (09022015). Collection method: clinical testing. Allele origin: germline.
Comment: This sequence change creates a premature translational stop signal (p.Glu801*) in the SI gene. It is expected to result in an absent or disrupted protein product. Loss-of-function variants in SI are known to be pathogenic (PMID: 16329100, 23103650, 25452324). This variant is present in population databases (rs200972419, gnomAD 0.08%). This variant has not been reported in the literature in individuals affected with SI-related conditions. ClinVar contains an entry for this variant (Variation ID: 631912). For these reasons, this variant has been classified as Pathogenic.

Neuberg Centre For Genomic Medicine, NCGM
Classification: Likely pathogenic for Sucrase-isomaltase deficiency. Last evaluated: 2023-02-14. Review status: criteria provided, single submitter. Criteria: ACMG Guidelines, 2015. Collection method: clinical testing. Allele origin: germline. Inheritance: Autosomal recessive inheritance. Affected: yes.
Comment: The stop gained c.2401G>T (p.Glu801Ter) variant in SI gene has been reported in individuals affected with Congenital Sucrase-Isomaltase Deficiency (Zhou J et al. 2021). The p.Glu801Ter variant has allele frequency 0.01% in gnomAD Exomes and is novel (not in any individuals) in 1000 Genomes. This variant has been reported to the ClinVar database as Uncertain Significance / Pathogenic / Likely Pathogenic. This variant is predicted to cause loss of normal protein function through protein truncation. Functional studies are required to prove the pathogenicity for the variant, for these reasons, this variant has been classified as Likely Pathogenic.

Victorian Clinical Genetics Services, Murdoch Childrens Research Institute
Classification: Pathogenic for Sucrase-isomaltase deficiency. Last evaluated: 2020-10-19. Review status: criteria provided, single submitter. Criteria: ACMG Guidelines, 2015. Collection method: clinical testing. Allele origin: germline. Affected: no.
Comment: Based on the classification scheme VCGS_Germline_v1.3.3, this variant is classified as Pathogenic. Following criteria are met: 0102 - Loss of function is a known mechanism of disease in this gene and is associated with sucrase-isomaltase deficiency. (I) 0108 - This gene is associated with both recessive and dominant disease. Patients with biallelic variants demonstrate congenital onset of disease, however increasing evidence shows that heterozygous carriers still have a form of deficiency and can be symptomatic with onset in adult life (PMID: 31493040, PMID: 31557950). (I) 0201 - Variant is predicted to cause nonsense-mediated decay (NMD) and loss of protein (premature termination codon is located at least 54 nucleotides upstream of the final exon-exon junction). (SP) 0251 - This variant is heterozygous. (I) 0304 - Variant is present in gnomAD v2 <0.01 for a recessive condition (28 heterozygotes, 0 homozygotes). (SP) 0702 - Other NMD predicted variants comparable to the one identified in this case have strong previous evidence for pathogenicity. Multiple patients have been reported either homozygous or compound heterozygous with missense variants, all with a form of sucrase-isomaltase deficiency (ClinVar, PMID: 31557950, PMID: 16329100, PMID: 25452324) (SP) 0809 - Previous evidence of pathogenicity for this variant is inconclusive. This variant has been reported as a VUS, but with no additional information (ClinVar). (I) 0905 - No published segregation evidence has been identified for this variant. (I) 1007 - No published functional evidence has been identified for this variant. (I) Legend: (SP) - Supporting pathogenic, (I) - Information, (SB) - Supporting benign

CENTOGENE GmbH and LLC - Guiding Precision Medicine
Classification: Likely pathogenic for Congenital sucrose-isomaltase deficiency. Review status: criteria provided, single submitter. Criteria: ACMG Guidelines, 2015. Collection method: clinical testing. Allele origin: germline. Affected: yes.

Literature cited by the submitters: PubMed 16329100 (cited by Labcorp Genetics (formerly Invitae), Labcorp and Victorian Clinical Genetics Services, Murdoch Childrens Research Institute); PubMed 23103650 (cited by Labcorp Genetics (formerly Invitae), Labcorp); PubMed 25452324 (cited by Labcorp Genetics (formerly Invitae), Labcorp and Victorian Clinical Genetics Services, Murdoch Childrens Research Institute); PubMed 31493040 (cited by Victorian Clinical Genetics Services, Murdoch Childrens Research Institute); PubMed 31557950 (cited by Victorian Clinical Genetics Services, Murdoch Childrens Research Institute).